The following is an entry in ClinVar:

NM_015688.2(FAM184B):c.378G>A (p.Arg126=)

Gene: FAM184B (family with sequence similarity 184 member B; minus strand). Cytogenetic location: 4p15.31.
Variant type: single nucleotide variant.
Coding change: c.378G>A on transcript NM_015688.2 (MANE Select); coding-DNA position 378, G replaced by A.
Protein change: p.Arg126=; no amino-acid change (arginine 126 retained).
Molecular consequence: synonymous variant.
Genome position (GRCh38, 1-based): chr4:17,709,408, C>T on the plus strand (G>A on the coding strand, the complement: FAM184B is on the minus strand). VCF-style: chr4-17709408-C-T. GRCh37 (hg19) VCF-style: chr4-17711031-C-T.
Identifiers: ClinVar variation 2654689 (VCV002654689.24), dbSNP rs564470488, ClinGen allele CA2869673.

ClinVar aggregate classification (germline): Likely benign (1 of 4 stars; one submission).

Allele frequency attached by ClinVar (database versions not stated): 1000 Genomes Project 30x 0.00016; gnomAD exomes 0.00016; 1000 Genomes Project 0.00020; gnomAD 0.00023; TOPMed 0.00029; ExAC 0.00054.
gnomAD v4.1: 269 of 1,519,962 alleles (0.018%); highest among the groups gnomAD compares: Middle Eastern, 0.53%; no homozygotes.

Submission:

CeGaT Center for Human Genetics Tuebingen
Classification: Likely benign. Last evaluated: 2022-04-01. Review status: criteria provided, single submitter. Criteria: CeGaT Center For Human Genetics Tuebingen Variant Classification Criteria Version 2. Collection method: clinical testing. Allele origin: germline. Affected: yes. Observed: 2 variant alleles.
Comment: FAM184B: BP4, BP7